The following is an entry in ClinVar:

ClinVar aggregate classification (germline): Uncertain significance (1 of 4 stars; one submission).

gnomAD v4.1: 14 of 1,614,110 alleles (0.00087%); highest among the groups gnomAD compares: Admixed American, 0.012%; no homozygotes.

Submission:

Labcorp Genetics (formerly Invitae), Labcorp
Classification: Uncertain significance. Last evaluated: 2026-01-25. Review status: criteria provided, single submitter. Criteria: Invitae Variant Classification Sherloc (09022015). Collection method: clinical testing. Allele origin: germline.
Comment: This sequence change affects codon 56 of the CFHR5 mRNA. It is a 'silent' change, meaning that it does not change the encoded amino acid sequence of the CFHR5 protein. This variant is present in population databases (no rsID available, gnomAD 0.01%). This variant has not been reported in the literature in individuals affected with CFHR5-related conditions. Algorithms developed to predict the effect of sequence changes on RNA splicing suggest that this variant may disrupt the consensus splice site. In summary, the available evidence is currently insufficient to determine the role of this variant in disease. Therefore, it has been classified as a Variant of Uncertain Significance.

NM_030787.4(CFHR5):c.168A>G (p.Glu56=)

Gene: CFHR5 (complement factor H related 5; plus strand). Cytogenetic location: 1q31.3.
Variant type: single nucleotide variant.
Coding change: c.168A>G on transcript NM_030787.4 (MANE Select); coding-DNA position 168, A replaced by G.
Protein change: p.Glu56=; no amino-acid change (glutamic acid 56 retained).
Molecular consequence: synonymous variant.
Genome position (GRCh38, 1-based): chr1:196,982,994, A>G. VCF-style: chr1-196982994-A-G. GRCh37 (hg19) VCF-style: chr1-196952124-A-G.
Identifiers: ClinVar variation 4737122 (VCV004737122.1).